The following is an entry in ClinVar:

ClinVar aggregate classification (germline): Uncertain significance (1 of 4 stars; one submission).

Conditions:
Cardiovascular phenotype. Identifiers: MedGen CN230736.

Submission:

Ambry Genetics
Classification: Uncertain significance for Cardiovascular phenotype. Last evaluated: 2025-07-28. Review status: criteria provided, single submitter. Criteria: Ambry Variant Classification Scheme 2023. Collection method: clinical testing. Allele origin: germline.
Comment: The p.P847R variant (also known as c.2540C>G), located in coding exon 21 of the JAG1 gene, results from a C to G substitution at nucleotide position 2540. The proline at codon 847 is replaced by arginine, an amino acid with dissimilar properties. This amino acid position is conserved. In addition, this alteration is predicted to be deleterious by in silico analysis. Based on the available evidence, the clinical significance of this variant remains unclear.

NM_000214.3(JAG1):c.2540C>G (p.Pro847Arg)

Gene: JAG1 (jagged canonical Notch ligand 1; minus strand). Cytogenetic location: 20p12.2.
Variant type: single nucleotide variant.
Coding change: c.2540C>G on transcript NM_000214.3 (MANE Select); coding-DNA position 2540, C replaced by G.
Protein change: p.Pro847Arg; replaces proline 847 with arginine.
Molecular consequence: missense variant.
Genome position (GRCh38, 1-based): chr20:10,642,520, G>C on the plus strand (C>G on the coding strand, the complement: JAG1 is on the minus strand). VCF-style: chr20-10642520-G-C. GRCh37 (hg19) VCF-style: chr20-10623168-G-C.
Other names: short protein forms P847R.
Identifiers: ClinVar variation 4089132 (VCV004089132.1).
Genomic context (GRCh38, chr20:10,642,520, plus strand): 5'-ATGGGCAGCTGAAGCCTGGCACACATACCTTCCTGGCACTTGGCACCACTGTGCCCTGGA[G>C]GGCAGACACACCGGTAGCCATTGATCTCATCCACACAGGTCGCTCCAAAGGCACAAGGTG-3'
Protein context (NP_000205.1, residues 837-857): DEINGYRCVC[Pro847Arg]PGHSGAKCQE